The following is an entry in ClinVar:

ClinVar aggregate classification (germline): Uncertain significance (1 of 4 stars; one submission).

Conditions:
MHC class I deficiency. Identifiers: Orphanet 34592, MedGen C6024714, MONDO:0011476.

Allele frequency attached by ClinVar (database versions not stated): gnomAD 0.00001; 1000 Genomes Project 30x 0.00016; gnomAD exomes 0.00001 and 0.00002; ExAC 0.00001; 1000 Genomes Project 0.00020.
gnomAD v4.1: 15 of 1,611,340 alleles (0.00093%); highest among the groups gnomAD compares: South Asian, 0.0055%; no homozygotes.

Submission:

Labcorp Genetics (formerly Invitae), Labcorp
Classification: Uncertain significance for MHC class I deficiency 1. Last evaluated: 2025-05-30. Review status: criteria provided, single submitter. Criteria: Invitae Variant Classification Sherloc (09022015). Collection method: clinical testing. Allele origin: germline.
Comment: This sequence change replaces arginine, which is basic and polar, with cysteine, which is neutral and slightly polar, at codon 353 of the TAPBP protein (p.Arg353Cys). This variant is present in population databases (rs529085934, gnomAD 0.007%). This variant has not been reported in the literature in individuals affected with TAPBP-related conditions. ClinVar contains an entry for this variant (Variation ID: 1422359). An algorithm developed to predict the effect of missense changes on protein structure and function (PolyPhen-2) suggests that this variant is likely to be disruptive. In summary, the available evidence is currently insufficient to determine the role of this variant in disease. Therefore, it has been classified as a Variant of Uncertain Significance.

NM_003190.5(TAPBP):c.1057C>T (p.Arg353Cys)

Gene: TAPBP (TAP binding protein; minus strand). Cytogenetic location: 6p21.32.
Variant type: single nucleotide variant.
Coding change: c.1057C>T on transcript NM_003190.5 (MANE Select); coding-DNA position 1057, C replaced by T.
Protein change: p.Arg353Cys; replaces arginine 353 with cysteine.
Molecular consequence: missense variant.
Genome position (GRCh38, 1-based): chr6:33,304,450, G>A on the plus strand (C>T on the coding strand, the complement: TAPBP is on the minus strand). VCF-style: chr6-33304450-G-A. GRCh37 (hg19) VCF-style: chr6-33272227-G-A.
Other names: c.1057C>T, p.Arg353Cys (NM_172208.3); c.796C>T, p.Arg266Cys (NM_172209.3); short protein forms R266C, R353C.
Identifiers: ClinVar variation 1422359 (VCV001422359.8), dbSNP rs529085934, ClinGen allele CA3755731.
Genomic context (GRCh38, chr6:33,304,450, plus strand): 5'-TGGTGACTGGGGGCGGCTGCAAGTGCCCAGAGAGGCTGACAGAGCCATCGGAATGGTGGC[G>A]CAGGGCCGAGAGCCACCTCTGCCCCTCGGCCTTCTGAGAGCGGCCCCCTGGGCCACCCCG-3'
Protein context (NP_003181.3, residues 343-363): AEGQRWLSAL[Arg353Cys]HHSDGSVSLS